The following is an entry in ClinVar:

ClinVar aggregate classification (germline): Uncertain significance (1 of 4 stars; one submission).

Conditions:
Noonan syndrome 9 (NS9). Identifiers: Orphanet 648, MedGen C4225282, MONDO:0014691, OMIM 616559.

Submission:

Labcorp Genetics (formerly Invitae), Labcorp
Classification: Uncertain significance for Noonan syndrome 9. Last evaluated: 2024-03-19. Review status: criteria provided, single submitter. Criteria: Invitae Variant Classification Sherloc (09022015). Collection method: clinical testing. Allele origin: germline.
Comment: This sequence change falls in intron 4 of the SOS2 gene. It does not directly change the encoded amino acid sequence of the SOS2 protein. It affects a nucleotide within the consensus splice site. This variant is not present in population databases (gnomAD no frequency). This variant has not been reported in the literature in individuals affected with SOS2-related conditions. Variants that disrupt the consensus splice site are a relatively common cause of aberrant splicing (PMID: 17576681, 9536098). Algorithms developed to predict the effect of sequence changes on RNA splicing suggest that this variant is not likely to affect RNA splicing. In summary, the available evidence is currently insufficient to determine the role of this variant in disease. Therefore, it has been classified as a Variant of Uncertain Significance.

Literature cited by the submitters: PubMed 17576681; PubMed 9536098.

NM_006939.4(SOS2):c.510+3A>G

Gene: SOS2 (SOS Ras/Rho guanine nucleotide exchange factor 2; minus strand). Cytogenetic location: 14q21.3.
Variant type: single nucleotide variant.
Coding change: c.510+3A>G on transcript NM_006939.4 (MANE Select); 3 bases into the intron after coding-DNA position 510, A replaced by G.
Molecular consequence: intron variant.
Genome position (GRCh38, 1-based): chr14:50,199,688, T>C on the plus strand (A>G on the coding strand, the complement: SOS2 is on the minus strand). VCF-style: chr14-50199688-T-C. GRCh37 (hg19) VCF-style: chr14-50666406-T-C.
Other names: c.510+3A>G (NM_001411020.1).
Identifiers: ClinVar variation 3630787 (VCV003630787.2).